The following is an entry in ClinVar:

NM_002292.4(LAMB2):c.3287C>A (p.Ala1096Asp)

Gene: LAMB2 (laminin subunit beta 2; minus strand). Cytogenetic location: 3p21.31.
Variant type: single nucleotide variant.
Coding change: c.3287C>A on transcript NM_002292.4 (MANE Select); coding-DNA position 3287, C replaced by A.
Protein change: p.Ala1096Asp; replaces alanine 1096 with aspartic acid.
Molecular consequence: missense variant.
Genome position (GRCh38, 1-based): chr3:49,124,435, G>T on the plus strand (C>A on the coding strand, the complement: LAMB2 is on the minus strand). VCF-style: chr3-49124435-G-T. GRCh37 (hg19) VCF-style: chr3-49161868-G-T.
Other names: p.Ala1096Asp; short protein forms A1096D.
Identifiers: ClinVar variation 1415219 (VCV001415219.7), dbSNP rs746590503, ClinGen allele CA2394095.
Genomic context (GRCh38, chr3:49,124,435, plus strand): 5'-TCTGCAGGAGGGTCCCATACCTCGTTGCAGGTGGGGCCTCTGGCCCGGCTTGGGTGGCAG[G>T]CACAAGGCTGGCAACCATGGCCACTGGTGAGGTTCCAGAAGTTGGGGGCACAGCGGTCAC-3'
Protein context (NP_002283.3, residues 1086-1106): LTSGHGCQPC[Ala1096Asp]CHPSRARGPT

ClinVar aggregate classification (germline): Uncertain significance. Review status: criteria provided, multiple submitters, no conflicts (2 of 4 stars). 2 submissions from 2 submitters: Uncertain significance (2). Last evaluated 2023-04-27.

Conditions:
LAMB2-related infantile-onset nephrotic syndrome. Also called: NEPHROTIC SYNDROME, TYPE 5, WITHOUT OCULAR ABNORMALITIES; NEPHROTIC SYNDROME, TYPE 5, WITH OCULAR ABNORMALITIES; Nephrotic Syndrome, type 5. Identifiers: Orphanet 306507, MedGen C3280113, MONDO:0013621, OMIM 614199.
Pierson syndrome. Also called: MICROCORIA-CONGENITAL NEPHROTIC SYNDROME. Identifiers: Orphanet 2670, MedGen C1836876, MONDO:0012184, OMIM 609049.

Allele frequency attached by ClinVar (database versions not stated): TOPMed below 0.00001; ExAC 0.00001; gnomAD 0.00001; gnomAD exomes 0.00001.
gnomAD v4.1: 6 of 1,613,586 alleles (0.00037%); highest among the groups gnomAD compares: Non-Finnish European, 0.00051%; no homozygotes.

Submissions (2):

Mayo Clinic Laboratories, Mayo Clinic
Classification: Uncertain significance. Last evaluated: 2023-04-27. Review status: criteria provided, single submitter. Criteria: ACMG Guidelines, 2015. Collection method: clinical testing. Allele origin: germline. Observed: 1 variant allele.
Comment: BP4

Labcorp Genetics (formerly Invitae), Labcorp
Classification: Uncertain significance for LAMB2-related infantile-onset nephrotic syndrome; Pierson syndrome. Last evaluated: 2021-09-05. Review status: criteria provided, single submitter. Criteria: Invitae Variant Classification Sherloc (09022015). Collection method: clinical testing. Allele origin: germline.
Comment: This variant is present in population databases (rs746590503, ExAC 0.002%). This sequence change replaces alanine with aspartic acid at codon 1096 of the LAMB2 protein (p.Ala1096Asp). The alanine residue is moderately conserved and there is a moderate physicochemical difference between alanine and aspartic acid. In summary, the available evidence is currently insufficient to determine the role of this variant in disease. Therefore, it has been classified as a Variant of Uncertain Significance. Algorithms developed to predict the effect of missense changes on protein structure and function output the following: SIFT: "Tolerated"; PolyPhen-2: "Benign"; Align-GVGD: "Class C0". The aspartic acid amino acid residue is found in multiple mammalian species, which suggests that this missense change does not adversely affect protein function. This variant has not been reported in the literature in individuals affected with LAMB2-related conditions.